The following is an entry in ClinVar:

NM_000059.4(BRCA2):c.625C>G (p.Leu209Val)

Gene: BRCA2 (BRCA2 DNA repair associated; plus strand). Cytogenetic location: 13q13.1.
Variant type: single nucleotide variant.
Coding change: c.625C>G on transcript NM_000059.4 (MANE Select); coding-DNA position 625, C replaced by G.
Protein change: p.Leu209Val; replaces leucine 209 with valine.
Molecular consequence: missense variant.
Genome position (GRCh38, 1-based): chr13:32,326,607, C>G. VCF-style: chr13-32326607-C-G. GRCh37 (hg19) VCF-style: chr13-32900744-C-G.
Other names: c.625C>G, p.Leu209Val (NM_001406719.1, NM_001406720.1, NM_001406721.1); c.256C>G, p.Leu86Val (NM_001406722.1); short protein forms L209V, L86V.
Identifiers: ClinVar variation 1752485 (VCV001752485.2), dbSNP rs2137453020, ClinGen allele CA387758400.
Genomic context (GRCh38, chr13:32,326,607, plus strand): 5'-GATCCTGATATGTCTTGGTCAAGTTCTTTAGCTACACCACCCACCCTTAGTTCTACTGTG[C>G]TCATAGGTAATAATAGCAAATGTGTATTTACAAGAAAGAGCAGATGAGGTTGATAATTGT-3'
Protein context (NP_000050.3, residues 199-219): ATPPTLSSTV[Leu209Val]IVRNEEASET

ClinVar aggregate classification (germline): Uncertain significance (1 of 4 stars; one submission).

Conditions:
Hereditary cancer-predisposing syndrome. Also called: Hereditary Cancer Syndrome; Hereditary neoplastic syndrome; Neoplastic Syndromes, Hereditary; Tumor predisposition. Identifiers: Orphanet 140162, MedGen C0027672, MeSH D009386, MONDO:0015356.

Submission:

Ambry Genetics
Classification: Uncertain significance for Hereditary cancer-predisposing syndrome. Last evaluated: 2020-08-20. Review status: criteria provided, single submitter. Criteria: Ambry Variant Classification Scheme 2023. Collection method: clinical testing. Allele origin: germline.
Comment: The p.L209V variant (also known as c.625C>G), located in coding exon 6 of the BRCA2 gene, results from a C to G substitution at nucleotide position 625. The leucine at codon 209 is replaced by valine, an amino acid with highly similar properties. This amino acid position is well conserved in available vertebrate species. In addition, this alteration is predicted to be tolerated by in silico analysis. Since supporting evidence is limited at this time, the clinical significance of this alteration remains unclear.

Literature cited by the submitters: PubMed 29884841.